The following is an entry in ClinVar:

ClinVar aggregate classification (germline): Uncertain significance (1 of 4 stars; one submission).

Conditions:
Infantile-onset ascending hereditary spastic paralysis (IAHSP). Also called: Infantile-Onset Ascending Hereditary Spastic Paralysis (IAHSP); Autosomal Recessive Juvenile Amyotrophic Lateral Sclerosis. Identifiers: Orphanet 293168, MedGen C2931441, MONDO:0011797, OMIM 607225. Disease mechanism: loss of function.

Submission:

Labcorp Genetics (formerly Invitae), Labcorp
Classification: Uncertain significance for Infantile-onset ascending hereditary spastic paralysis. Last evaluated: 2022-03-19. Review status: criteria provided, single submitter. Criteria: Invitae Variant Classification Sherloc (09022015). Collection method: clinical testing. Allele origin: germline.
Comment: In summary, the available evidence is currently insufficient to determine the role of this variant in disease. Therefore, it has been classified as a Variant of Uncertain Significance. Algorithms developed to predict the effect of missense changes on protein structure and function are either unavailable or do not agree on the potential impact of this missense change (SIFT: "Deleterious"; PolyPhen-2: "Probably Damaging"; Align-GVGD: "Class C0"). This variant has not been reported in the literature in individuals affected with ALS2-related conditions. This variant is not present in population databases (gnomAD no frequency). This sequence change replaces arginine, which is basic and polar, with proline, which is neutral and non-polar, at codon 1611 of the ALS2 protein (p.Arg1611Pro).

NM_020919.4(ALS2):c.4832G>C (p.Arg1611Pro)

Gene: ALS2 (alsin Rho guanine nucleotide exchange factor ALS2; minus strand). Cytogenetic location: 2q33.1.
Variant type: single nucleotide variant.
Coding change: c.4832G>C on transcript NM_020919.4 (MANE Select); coding-DNA position 4832, G replaced by C.
Protein change: p.Arg1611Pro; replaces arginine 1611 with proline.
Molecular consequence: missense variant.
Genome position (GRCh38, 1-based): chr2:201,704,460, C>G on the plus strand (G>C on the coding strand, the complement: ALS2 is on the minus strand). VCF-style: chr2-201704460-C-G. GRCh37 (hg19) VCF-style: chr2-202569183-C-G.
Other names: c.4829G>C, p.Arg1610Pro (NM_001410975.1); short protein forms R1610P, R1611P.
Identifiers: ClinVar variation 1956841 (VCV001956841.5), dbSNP rs1689578912, ClinGen allele CA350320590.
Genomic context (GRCh38, chr2:201,704,460, plus strand): 5'-CAGCAGACTTTTAAAAATAACGACTCACTAATAACAAAGTCATAAAACAGTTACCTGGCC[C>G]GTAGCACCACATATAAGAAAACAGGAAACAAGTCATCCATGGACCACAAGAAGTCTTCGT-3'
Protein context (NP_065970.2, residues 1601-1621): LFPVFLYVVL[Arg1611Pro]ARIRNLGSEV